The following is an entry in ClinVar:

ClinVar aggregate classification (germline): not provided (0 of 4 stars; one submission).

Allele frequency attached by ClinVar (database versions not stated): TOPMed below 0.00001.

Submission:

Cole and Hamvas Lab,  Washington University - St. Louis
No classification provided. Review status: no classification provided. Collection method: not provided. Allele origin: unknown.
Comment: Zhuang Chinese
ClinVar note: Converted during submission from untested to not provided.

NM_001089.3(ABCA3):c.2467G>C (p.Ala823Pro)

Gene: ABCA3 (ATP binding cassette subfamily A member 3; minus strand). Cytogenetic location: 16p13.3.
Variant type: single nucleotide variant.
Coding change: c.2467G>C on transcript NM_001089.3 (MANE Select); coding-DNA position 2467, G replaced by C.
Protein change: p.Ala823Pro; replaces alanine 823 with proline.
Molecular consequence: missense variant.
Genome position (GRCh38, 1-based): chr16:2,292,186, C>G on the plus strand (G>C on the coding strand, the complement: ABCA3 is on the minus strand). VCF-style: chr16-2292186-C-G. GRCh37 (hg19) VCF-style: chr16-2342187-C-G.
Other names: short protein forms A823P.
Identifiers: ClinVar variation 88776 (VCV000088776.2), dbSNP rs397518428, ClinGen allele CA220094.